The following is an entry in ClinVar:

NM_000093.5(COL5A1):c.5494G>C (p.Gly1832Arg)

Genes: COL5A1 (collagen type V alpha 1 chain; plus strand), LOC101448202 (uncharacterized LOC101448202; minus strand). Cytogenetic location: 9q34.3.
Variant type: single nucleotide variant.
Coding change: c.5494G>C on transcript NM_000093.5 (MANE Select); coding-DNA position 5494, G replaced by C.
Protein change: p.Gly1832Arg; replaces glycine 1832 with arginine.
Molecular consequence: missense variant.
Genome position (GRCh38, 1-based): chr9:134,842,280, G>C. VCF-style: chr9-134842280-G-C. GRCh37 (hg19) VCF-style: chr9-137734126-G-C.
Other names: c.5494G>C, p.Gly1832Arg (NM_001278074.1); short protein forms G1832R.
Identifiers: ClinVar variation 2721783 (VCV002721783.3), dbSNP rs2490953428, ClinGen allele CA375462117.

ClinVar aggregate classification (germline): Uncertain significance (1 of 4 stars; one submission).

Conditions:
Ehlers-Danlos syndrome, classic type, 1 (EDSCL1). Also called: EHLERS-DANLOS SYNDROME, GRAVIS TYPE; EHLERS-DANLOS SYNDROME, SEVERE CLASSIC TYPE; Ehlers-Danlos syndrome, type 1; Ehlers-Danlos Syndrome, Classic Type, COL5A1-Related; EDS I. Identifiers: MedGen C0268335, MONDO:0019567, OMIM 130000.

Submission:

Labcorp Genetics (formerly Invitae), Labcorp
Classification: Uncertain significance for Ehlers-Danlos syndrome, classic type, 1. Last evaluated: 2023-06-21. Review status: criteria provided, single submitter. Criteria: Invitae Variant Classification Sherloc (09022015). Collection method: clinical testing. Allele origin: germline.
Comment: In summary, the available evidence is currently insufficient to determine the role of this variant in disease. Therefore, it has been classified as a Variant of Uncertain Significance. Advanced modeling of protein sequence and biophysical properties (such as structural, functional, and spatial information, amino acid conservation, physicochemical variation, residue mobility, and thermodynamic stability) has been performed at Invitae for this missense variant, however the output from this modeling did not meet the statistical confidence thresholds required to predict the impact of this variant on COL5A1 protein function. This missense change has been observed in individual(s) with Ehlers-Danlos syndrome (PMID: 22696272). This variant is not present in population databases (gnomAD no frequency). This sequence change replaces glycine, which is neutral and non-polar, with arginine, which is basic and polar, at codon 1832 of the COL5A1 protein (p.Gly1832Arg).

Literature cited by the submitters: PubMed 22696272.